The following is an entry in ClinVar:

NC_000001.10:g.(?_955553)_(3350375_?)del

Genes: MORN1 (MORN repeat containing 1; minus strand), MRPL20 (mitochondrial ribosomal protein L20; minus strand), PEX10 (peroxisomal biogenesis factor 10; minus strand), PRKCZ (protein kinase C zeta; plus strand), PRXL2B (peroxiredoxin like 2B; plus strand) and 55 more. Cytogenetic location: 1p36.33-36.32.
Variant type: Deletion.
Identifiers: ClinVar variation 1443760 (VCV001443760.6).

ClinVar aggregate classification (germline): Uncertain significance (1 of 4 stars; one submission).

Conditions:
Left ventricular noncompaction 8 (LVNC8). Identifiers: Orphanet 154, Orphanet 54260, MedGen C3809288, MONDO:0014152, OMIM 615373.

Submission:

Labcorp Genetics (formerly Invitae), Labcorp
Classification: Uncertain significance for Left ventricular noncompaction 8. Last evaluated: 2023-04-04. Review status: criteria provided, single submitter. Criteria: Invitae Variant Classification Sherloc (09022015). Collection method: clinical testing. Allele origin: germline.
Comment: In summary, the available evidence is currently insufficient to determine the role of this variant in disease. Therefore, it has been classified as a Variant of Uncertain Significance. This variant has not been reported in the literature in individuals affected with PRDM16-related conditions. A gross deletion of the genomic region encompassing the full coding sequence of the PRDM16 gene has been identified. The current clinical and genetic evidence is not sufficient to establish whether loss-of-function variants in PRDM16 cause disease. The boundaries of this event are unknown as they extend beyond the assayed region for this gene and therefore may encompass additional genes.